The following is an entry in ClinVar:

ClinVar aggregate classification (germline): Pathogenic. Review status: reviewed by expert panel (3 of 4 stars). 2 submissions from 2 submitters: Pathogenic (1). 1 of the submissions does not count toward it. Last evaluated 2016-09-08.

Conditions:
Breast-ovarian cancer, familial, susceptibility to, 1 (BROVCA1). Also called: BRCA1 Hereditary Breast and Ovarian Cancer; OVARIAN CANCER, SUSCEPTIBILITY TO. Identifiers: Orphanet 145, MedGen C2676676, MONDO:0011450, OMIM 604370. Disease mechanism: loss of function.

Submissions (2):

Evidence-based Network for the Interpretation of Germline Mutant Alleles (ENIGMA)
Classification: Pathogenic for Breast-ovarian cancer, familial, susceptibility to, 1. Last evaluated: 2016-09-08. Review status: reviewed by expert panel. Criteria: ENIGMA BRCA1/2 Classification Criteria (2015). Collection method: curation. Allele origin: germline.
Comment: Variant allele predicted to encode a truncated non-functional protein.

Breast Cancer Information Core (BIC) (BRCA1)
Classification: Pathogenic for Breast-ovarian cancer, familial 1. Last evaluated: 1999-04-06. Review status: no assertion criteria provided. Collection method: clinical testing. Allele origin: germline. Affected: yes. Observed: 1 variant allele. Not counted in ClinVar's aggregate classification.

NM_007294.4(BRCA1):c.4621G>T (p.Glu1541Ter)

Gene: BRCA1 (BRCA1 DNA repair associated; minus strand). Cytogenetic location: 17q21.31.
Variant type: single nucleotide variant.
Coding change: c.4621G>T on transcript NM_007294.4 (MANE Select); coding-DNA position 4621, G replaced by T.
Protein change: p.Glu1541Ter; replaces glutamic acid 1541 with a stop codon.
Molecular consequence: nonsense. On other transcripts: non-coding transcript variant (1).
Genome position (GRCh38, 1-based): chr17:43,074,385, C>A on the plus strand (G>T on the coding strand, the complement: BRCA1 is on the minus strand). VCF-style: chr17-43074385-C-A. GRCh37 (hg19) VCF-style: chr17-41226402-C-A.
Other names: c.4537G>T, p.Glu1513Ter (NM_001407661.1, NM_001407662.1, NM_001407663.1 and 2 more transcripts); c.4498G>T, p.Glu1500Ter (NM_001407664.1, NM_001407665.1, NM_001407666.1 and 6 more transcripts); c.4495G>T, p.Glu1499Ter (NM_001407670.1, NM_001407680.1, NM_001407939.1 and 11 more transcripts); c.4480G>T, p.Glu1494Ter (NM_001407725.1, NM_001407726.1, NM_001407727.1 and 13 more transcripts); c.4477G>T, p.Glu1493Ter (NM_001407732.1, NM_001407733.1, NM_001407734.1 and 21 more transcripts); c.4474G>T, p.Glu1492Ter (NM_001407849.1, NM_001407850.1, NM_001407851.1 and 12 more transcripts); c.4621G>T, p.Glu1541Ter (NM_001407854.1, NM_001407684.1, NM_001407593.1 and 8 more transcripts); c.4618G>T, p.Glu1540Ter (NM_001407858.1, NM_001407859.1, NM_001407860.1 and 17 more transcripts); and 68 more; short protein forms E1541*, E1562*, E437*, E1494*, E1244*, E1245*, E1451*, E1469*.
Identifiers: ClinVar variation 55241 (VCV000055241.4), dbSNP rs80357248, ClinGen allele CA002931.
Genomic context (GRCh38, chr17:43,074,385, plus strand): 5'-TATTACCTAGATCTTGCCTTGGCAAGTAAGATGTTTCCGTCAAATCGTGTGGCCCAGACT[C>A]TTCCAGCTGTTGCTCCTCCACATCAACAACCTTAATGAGCTCCTCTTGAGATGGGTAGTT-3'